The following is an entry in ClinVar:

ClinVar aggregate classification (germline): Uncertain significance (1 of 4 stars; one submission).

Conditions:
Beckwith-Wiedemann syndrome (BWS). Also called: Exomphalos macroglossia gigantism syndrome; EMG SYNDROME. Identifiers: Orphanet 116, MedGen C0004903, MONDO:0007534, OMIM 130650.

Submission:

Labcorp Genetics (formerly Invitae), Labcorp
Classification: Uncertain significance for Beckwith-Wiedemann syndrome. Last evaluated: 2023-05-15. Review status: criteria provided, single submitter. Criteria: Invitae Variant Classification Sherloc (09022015). Collection method: clinical testing. Allele origin: germline.
Comment: This variant, c.530_535dup, results in the insertion of 2 amino acid(s) of the CDKN1C protein (p.Val177_Leu178dup), but otherwise preserves the integrity of the reading frame. The frequency data for this variant in the population databases is considered unreliable, as metrics indicate insufficient coverage at this position in the gnomAD database. This variant has not been reported in the literature in individuals affected with CDKN1C-related conditions. In summary, the available evidence is currently insufficient to determine the role of this variant in disease. Therefore, it has been classified as a Variant of Uncertain Significance.

NM_001122630.2(CDKN1C):c.497_502dup (p.Leu167_Ala168insValLeu)

Gene: CDKN1C (cyclin dependent kinase inhibitor 1C; minus strand). Cytogenetic location: 11p15.4.
Variant type: Duplication.
Coding change: c.497_502dup on transcript NM_001122630.2 (MANE Select); coding-DNA positions 497 to 502, 6 bases duplicated (TCCTGG; older notation c.497_502dupTCCTGG).
Protein change: p.Leu167_Ala168insValLeu.
Molecular consequence: inframe insertion. On other transcripts: intron variant (1).
Genome position (GRCh38, 1-based): chr11:2,884,955-2,884,960, CCAGGA duplicated on the plus strand (TCCTGG on the coding strand, the reverse complement: CDKN1C is on the minus strand); duplicating any 6 consecutive bases within chr11:2,884,955-2,884,962 gives the same sequence; the c. name uses the placement nearest the transcript's 3' end. VCF-style (leftmost placement, unchanged base first): chr11-2884954-G-GCCAGGA. GRCh37 (hg19) VCF-style: chr11-2906184-G-GCCAGGA.
Other names: c.530_535dup, p.Leu178_Ala179insValLeu (NM_000076.2, NM_001362474.2); c.497_502dup, p.Leu167_Ala168insValLeu (NM_001122631.2); c.255+242_255+247dup (NM_001362475.2).
Identifiers: ClinVar variation 2864316 (VCV002864316.3), dbSNP rs2494387086, ClinGen allele CA2612014928.